The following is an entry in ClinVar:

NM_017780.4(CHD7):c.6499G>A (p.Val2167Ile)

Gene: CHD7 (chromodomain helicase DNA binding protein 7; plus strand). Cytogenetic location: 8q12.2.
Variant type: single nucleotide variant.
Coding change: c.6499G>A on transcript NM_017780.4 (MANE Select); coding-DNA position 6499, G replaced by A.
Protein change: p.Val2167Ile; replaces valine 2167 with isoleucine.
Molecular consequence: missense variant. On other transcripts: intron variant (1).
Genome position (GRCh38, 1-based): chr8:60,853,224, G>A. VCF-style: chr8-60853224-G-A. GRCh37 (hg19) VCF-style: chr8-61765783-G-A.
Other names: c.1717-9005G>A (NM_001316690.1); short protein forms V2167I.
Identifiers: ClinVar variation 4002166 (VCV004002166.2).

ClinVar aggregate classification (germline): Uncertain significance. Review status: criteria provided, multiple submitters, no conflicts (2 of 4 stars). 2 submissions from 2 submitters: Uncertain significance (2). Last evaluated 2025-05-13.

Conditions:
CHARGE syndrome (CHARGE). Also called: Hittner Hirsch Kreh syndrome; CHARGE ASSOCIATION--COLOBOMA, HEART ANOMALY, CHOANAL ATRESIA, RETARDATION, GENITAL AND EAR ANOMALIES; Coloboma, heart anomaly, choanal atresia, retardation, genital and ear anomalies; CHARGE association; Hall-Hittner syndrome. Identifiers: Orphanet 138, MedGen C0265354, MONDO:0008965.
Inborn genetic diseases. Identifiers: MedGen C0950123, MeSH D030342.

gnomAD v4.1: 6 of 1,613,862 alleles (0.00037%); highest among the groups gnomAD compares: East Asian, 0.011%; no homozygotes.

Submissions (2):

Labcorp Genetics (formerly Invitae), Labcorp
Classification: Uncertain significance for CHARGE syndrome. Last evaluated: 2025-05-13. Review status: criteria provided, single submitter. Criteria: Invitae Variant Classification Sherloc (09022015). Collection method: clinical testing. Allele origin: germline.
Comment: This sequence change replaces valine, which is neutral and non-polar, with isoleucine, which is neutral and non-polar, at codon 2167 of the CHD7 protein (p.Val2167Ile). This variant is present in population databases (no rsID available, gnomAD 0.0009%). This variant has not been reported in the literature in individuals affected with CHD7-related conditions. Invitae Evidence Modeling of protein sequence and biophysical properties (such as structural, functional, and spatial information, amino acid conservation, physicochemical variation, residue mobility, and thermodynamic stability) indicates that this missense variant is not expected to disrupt CHD7 protein function with a negative predictive value of 80%. In summary, the available evidence is currently insufficient to determine the role of this variant in disease. Therefore, it has been classified as a Variant of Uncertain Significance.

Ambry Genetics
Classification: Uncertain significance for Inborn genetic diseases. Last evaluated: 2025-03-30. Review status: criteria provided, single submitter. Criteria: Ambry Variant Classification Scheme 2023. Collection method: clinical testing. Allele origin: germline.